The following is an entry in ClinVar:

ClinVar aggregate classification (germline): Uncertain significance. Review status: criteria provided, multiple submitters, no conflicts (2 of 4 stars). 2 submissions from 2 submitters: Uncertain significance (2). Last evaluated 2025-09-19.

Conditions:
ADCY3-related disorder. Also called: ADCY3-related condition.
Inborn genetic diseases. Identifiers: MedGen C0950123, MeSH D030342.

gnomAD v4.1: 1 of 1,612,816 alleles (0.000062%); highest among the groups gnomAD compares: Admixed American, 0.0017%; no homozygotes.

Submissions (2):

PreventionGenetics, part of Exact Sciences
Classification: Uncertain significance for ADCY3-related condition. Last evaluated: 2025-09-19. Review status: criteria provided, single submitter. Criteria: ACMG Guidelines, 2015. Collection method: clinical testing. Allele origin: germline.
Comment: The ADCY3 c.82C>A variant is predicted to result in the amino acid substitution p.Pro28Thr. To our knowledge, this variant has not been reported in the literature. This variant is reported in 0.0029% of alleles in individuals of Latino descent in gnomAD. At this time, the clinical significance of this variant is uncertain due to the absence of conclusive functional and genetic evidence.

Ambry Genetics
Classification: Uncertain significance for Inborn genetic diseases. Last evaluated: 2025-02-05. Review status: criteria provided, single submitter. Criteria: Ambry Variant Classification Scheme 2023. Collection method: clinical testing. Allele origin: germline.

NM_004036.5(ADCY3):c.82C>A (p.Pro28Thr)

Gene: ADCY3 (adenylate cyclase 3; minus strand). Cytogenetic location: 2p23.3.
Variant type: single nucleotide variant.
Coding change: c.82C>A on transcript NM_004036.5 (MANE Select); coding-DNA position 82, C replaced by A.
Protein change: p.Pro28Thr; replaces proline 28 with threonine.
Molecular consequence: missense variant.
Genome position (GRCh38, 1-based): chr2:24,918,906, G>T on the plus strand (C>A on the coding strand, the complement: ADCY3 is on the minus strand). VCF-style: chr2-24918906-G-T. GRCh37 (hg19) VCF-style: chr2-25141775-G-T.
Other names: c.82C>A, p.Pro28Thr (NM_001320613.2, NM_001377128.1, NM_001377129.1 and 2 more transcripts); c.82C>A (NM_001320613.1); short protein forms P28T.
Identifiers: ClinVar variation 3833216 (VCV003833216.2).